The following is an entry in ClinVar:

ClinVar aggregate classification (germline): Uncertain significance (1 of 4 stars; one submission).

Conditions:
Ichthyosis linearis circumflexa. Identifiers: MedGen C0265962, MONDO:0043106, HP:0025810.

Allele frequency attached by ClinVar (database versions not stated): TOPMed below 0.00001.
gnomAD v4.1: 6 of 1,612,264 alleles (0.00037%); highest among the groups gnomAD compares: Non-Finnish European, 0.00051%; no homozygotes.

Submission:

Labcorp Genetics (formerly Invitae), Labcorp
Classification: Uncertain significance for Ichthyosis linearis circumflexa. Last evaluated: 2022-06-28. Review status: criteria provided, single submitter. Criteria: Invitae Variant Classification Sherloc (09022015). Collection method: clinical testing. Allele origin: germline.
Comment: Algorithms developed to predict the effect of missense changes on protein structure and function output the following: SIFT: "Tolerated"; PolyPhen-2: "Benign"; Align-GVGD: "Class C0". The alanine amino acid residue is found in multiple mammalian species, which suggests that this missense change does not adversely affect protein function. In summary, the available evidence is currently insufficient to determine the role of this variant in disease. Therefore, it has been classified as a Variant of Uncertain Significance. This variant has not been reported in the literature in individuals affected with SPINK5-related conditions. This variant is not present in population databases (gnomAD no frequency). This sequence change replaces proline, which is neutral and non-polar, with alanine, which is neutral and non-polar, at codon 87 of the SPINK5 protein (p.Pro87Ala).

NM_006846.4(SPINK5):c.259C>G (p.Pro87Ala)

Gene: SPINK5 (serine peptidase inhibitor Kazal type 5; plus strand). Cytogenetic location: 5q32.
Variant type: single nucleotide variant.
Coding change: c.259C>G on transcript NM_006846.4 (MANE Select); coding-DNA position 259, C replaced by G.
Protein change: p.Pro87Ala; replaces proline 87 with alanine.
Molecular consequence: missense variant.
Genome position (GRCh38, 1-based): chr5:148,072,197, C>G. VCF-style: chr5-148072197-C-G. GRCh37 (hg19) VCF-style: chr5-147451760-C-G.
Other names: c.259C>G, p.Pro87Ala (NM_001127698.2, NM_001127699.2); short protein forms P87A.
Identifiers: ClinVar variation 1383303 (VCV001383303.4), dbSNP rs780799549, ClinGen allele CA129717753.